The following is an entry in ClinVar:

NM_022124.6(CDH23):c.3053A>G (p.Asn1018Ser)

Gene: CDH23 (cadherin related 23; plus strand). Cytogenetic location: 10q22.1.
Variant type: single nucleotide variant.
Coding change: c.3053A>G on transcript NM_022124.6 (MANE Select); coding-DNA position 3053, A replaced by G.
Protein change: p.Asn1018Ser; replaces asparagine 1018 with serine.
Molecular consequence: missense variant.
Genome position (GRCh38, 1-based): chr10:71,706,996, A>G. VCF-style: chr10-71706996-A-G. GRCh37 (hg19) VCF-style: chr10-73466753-A-G.
Other names: c.3053A>G, p.Asn1018Ser (NM_001171930.2, NM_001171931.2); short protein forms N1018S.
Identifiers: ClinVar variation 1941480 (VCV001941480.3), dbSNP rs753067400, ClinGen allele CA5544433.

ClinVar aggregate classification (germline): Uncertain significance. Review status: criteria provided, multiple submitters, no conflicts (2 of 4 stars). 2 submissions from 2 submitters: Uncertain significance (2). Last evaluated 2022-01-11.

Conditions:
Inborn genetic diseases. Identifiers: MedGen C0950123, MeSH D030342.

Allele frequency attached by ClinVar (database versions not stated): ExAC 0.00001.

Submissions (2):

Labcorp Genetics (formerly Invitae), Labcorp
Classification: Uncertain significance. Last evaluated: 2022-01-11. Review status: criteria provided, single submitter. Criteria: Invitae Variant Classification Sherloc (09022015). Collection method: clinical testing. Allele origin: germline.
Comment: This sequence change replaces asparagine, which is neutral and polar, with serine, which is neutral and polar, at codon 1018 of the CDH23 protein (p.Asn1018Ser). This variant is present in population databases (rs753067400, gnomAD 0.003%). This variant has not been reported in the literature in individuals affected with CDH23-related conditions. Algorithms developed to predict the effect of missense changes on protein structure and function are either unavailable or do not agree on the potential impact of this missense change (SIFT: "Deleterious"; PolyPhen-2: "Not Available"; Align-GVGD: "Class C45"). In summary, the available evidence is currently insufficient to determine the role of this variant in disease. Therefore, it has been classified as a Variant of Uncertain Significance.

Ambry Genetics
Classification: Uncertain significance for Inborn genetic diseases. Last evaluated: 2021-07-09. Review status: criteria provided, single submitter. Criteria: Ambry Variant Classification Scheme 2023. Collection method: clinical testing. Allele origin: germline.